The following is an entry in ClinVar:

ClinVar aggregate classification (germline): Conflicting classifications of pathogenicity. Review status: criteria provided, conflicting classifications (1 of 4 stars). 2 submissions from 2 submitters: Uncertain significance (1); Likely benign (1). Last evaluated 2025-07-30.

Allele frequency attached by ClinVar (database versions not stated): gnomAD exomes below 0.00001.
gnomAD v4.1: 2 of 1,613,856 alleles (0.00012%); highest among the groups gnomAD compares: South Asian, 0.0011%; no homozygotes.

Submissions (2):

Labcorp Genetics (formerly Invitae), Labcorp
Classification: Likely benign. Last evaluated: 2025-07-30. Review status: criteria provided, single submitter. Criteria: Invitae Variant Classification Sherloc (09022015). Collection method: clinical testing. Allele origin: germline.

Women's Health and Genetics/Laboratory Corporation of America, LabCorp
Classification: Uncertain significance. Last evaluated: 2024-01-04. Review status: criteria provided, single submitter. Criteria: LabCorp Variant Classification Summary - May 2015. Collection method: clinical testing. Allele origin: germline.
Comment: Variant summary: DMXL2 c.8460+8T>C alters a non-conserved nucleotide located close to a canonical splice site and therefore could affect mRNA splicing, leading to a significantly altered protein sequence. Consensus agreement among computation tools predict no significant impact on normal splicing. However, these predictions have yet to be confirmed by functional studies. The variant was absent in 250786 control chromosomes. The available data on variant occurrences in the general population are insufficient to allow any conclusion about variant significance. To our knowledge, no occurrence of c.8460+8T>C in individuals affected with DMXL2-Related Disorders and no experimental evidence demonstrating its impact on protein function have been reported. One submitter has cited clinical-significance assessments for this variant to ClinVar after 2014 and has classified the variant as likely benign. Based on the evidence outlined above, the variant was classified as uncertain significance.

NM_001378457.1(DMXL2):c.8526+8T>C

Gene: DMXL2 (Dmx like 2; minus strand). Cytogenetic location: 15q21.2.
Variant type: single nucleotide variant.
Coding change: c.8526+8T>C on transcript NM_001378457.1 (MANE Select); 8 bases into the intron after coding-DNA position 8526, T replaced by C.
Molecular consequence: intron variant.
Genome position (GRCh38, 1-based): chr15:51,456,058, A>G on the plus strand (T>C on the coding strand, the complement: DMXL2 is on the minus strand). VCF-style: chr15-51456058-A-G. GRCh37 (hg19) VCF-style: chr15-51748255-A-G.
Other names: c.6441+8T>C (NM_001378460.1); c.6552+8T>C (NM_001174117.3); c.8460+8T>C (NM_015263.5); c.8523+8T>C (NM_001378458.1); c.8238+8T>C (NM_001378459.1); c.8463+8T>C (NM_001174116.3).
Identifiers: ClinVar variation 1631092 (VCV001631092.9), dbSNP rs768003104, ClinGen allele CA2521468885.